The following is an entry in ClinVar:

NM_000383.4(AIRE):c.1370G>A (p.Cys457Tyr)

Gene: AIRE (autoimmune regulator; plus strand). Cytogenetic location: 21q22.3.
Variant type: single nucleotide variant.
Coding change: c.1370G>A on transcript NM_000383.4 (MANE Select); coding-DNA position 1370, G replaced by A.
Protein change: p.Cys457Tyr; replaces cysteine 457 with tyrosine.
Molecular consequence: missense variant.
Genome position (GRCh38, 1-based): chr21:44,293,880, G>A. VCF-style: chr21-44293880-G-A. GRCh37 (hg19) VCF-style: chr21-45713763-G-A.
Other names: c.1370G>A (LRG_18t1); short protein forms C457Y.
Identifiers: ClinVar variation 387341 (VCV000387341.10), dbSNP rs373383785, ClinGen allele CA10052077.

ClinVar aggregate classification (germline): Conflicting classifications of pathogenicity. Review status: criteria provided, conflicting classifications (1 of 4 stars). 5 submissions from 5 submitters: Uncertain significance (3); Likely benign (1). 1 of the submissions does not count toward it. Last evaluated 2026-02-01.

Conditions:
Polyglandular autoimmune syndrome, type 1 (APS1). Also called: Autoimmune polyendocrinopathy syndrome , type I, with or without reversible metaphyseal dysplasia; APS I; Autoimmune polyendocrine syndrome type 1; PGA I; AUTOIMMUNE POLYENDOCRINE SYNDROME, TYPE I, WITH OR WITHOUT REVERSIBLE METAPHYSEAL DYSPLASIA; HYPOADRENOCORTICISM WITH HYPOPARATHYROIDISM AND SUPERFICIAL MONILIASIS. Identifiers: Orphanet 3453, MedGen C0085859, MONDO:0009411, OMIM 240300.

Allele frequency attached by ClinVar (database versions not stated): gnomAD 0.00002; ExAC 0.00004; TOPMed 0.00004; gnomAD exomes 0.00006; ESP Exome Variant Server 0.00008.

Submissions (5):

Labcorp Genetics (formerly Invitae), Labcorp
Classification: Uncertain significance for Polyglandular autoimmune syndrome, type 1. Last evaluated: 2026-02-01. Review status: criteria provided, single submitter. Criteria: Invitae Variant Classification Sherloc (09022015). Collection method: clinical testing. Allele origin: germline.
Comment: This sequence change replaces cysteine, which is neutral and slightly polar, with tyrosine, which is neutral and polar, at codon 457 of the AIRE protein (p.Cys457Tyr). This variant is present in population databases (rs373383785, gnomAD 0.1%). This variant has not been reported in the literature in individuals affected with AIRE-related conditions. ClinVar contains an entry for this variant (Variation ID: 387341). Invitae Evidence Modeling of protein sequence and biophysical properties (such as structural, functional, and spatial information, amino acid conservation, physicochemical variation, residue mobility, and thermodynamic stability) has been performed for this missense variant. However, the output from this modeling did not meet the statistical confidence thresholds required to predict the impact of this variant on AIRE protein function. In summary, the available evidence is currently insufficient to determine the role of this variant in disease. Therefore, it has been classified as a Variant of Uncertain Significance.

Athena Diagnostics
Classification: Likely benign. Last evaluated: 2025-09-10. Review status: criteria provided, single submitter. Criteria: Athena Diagnostics Criteria. Collection method: clinical testing. Allele origin: unknown.
Comment: The frequency of this variant in the general population is higher than would generally be expected for pathogenic variants in this gene.

Fulgent Genetics
Classification: Uncertain significance for Polyglandular autoimmune syndrome, type 1. Last evaluated: 2021-10-21. Review status: criteria provided, single submitter. Criteria: ACMG Guidelines, 2015. Collection method: clinical testing. Allele origin: unknown.

GeneDx
Classification: Uncertain significance. Last evaluated: 2019-06-06. Review status: criteria provided, single submitter. Criteria: GeneDx Variant Classification Process June 2021. Collection method: clinical testing. Allele origin: germline. Affected: yes.
Comment: In silico analysis, which includes protein predictors and evolutionary conservation, supports a deleterious effect; Has not been previously published as pathogenic or benign to our knowledge

Natera, Inc.
Classification: Uncertain significance for Polyglandular autoimmune syndrome type 1. Last evaluated: 2019-10-28. Review status: no assertion criteria provided. Collection method: clinical testing. Allele origin: germline. Not counted in ClinVar's aggregate classification.

Literature cited by the submitters: PubMed 30019023 (cited by Athena Diagnostics).